The following is an entry in ClinVar:

NM_001005242.3(PKP2):c.1270T>A (p.Phe424Ile)

Gene: PKP2 (plakophilin 2; minus strand). Cytogenetic location: 12p11.21.
Variant type: single nucleotide variant.
Coding change: c.1270T>A on transcript NM_001005242.3 (MANE Select); coding-DNA position 1270, T replaced by A.
Protein change: p.Phe424Ile; replaces phenylalanine 424 with isoleucine.
Molecular consequence: missense variant.
Genome position (GRCh38, 1-based): chr12:32,850,874, A>T on the plus strand (T>A on the coding strand, the complement: PKP2 is on the minus strand). VCF-style: chr12-32850874-A-T. GRCh37 (hg19) VCF-style: chr12-33003808-A-T.
Other names: c.1270T>A, p.Phe424Ile (NM_004572.4); short protein forms F424I.
Identifiers: ClinVar variation 920176 (VCV000920176.4), dbSNP rs1956690020, ClinGen allele CA384370297.

ClinVar aggregate classification (germline): Uncertain significance (1 of 4 stars; one submission).

Conditions:
Cardiomyopathy (CMYO). Also called: Cardiomyopathies. Identifiers: Orphanet 167848, MedGen C0878544, MONDO:0004994, HP:0001638. Inheritance: Various modes of inheritance.

Submission:

Color Diagnostics, LLC DBA Color Health
Classification: Uncertain significance for Cardiomyopathy. Last evaluated: 2024-03-06. Review status: criteria provided, single submitter. Criteria: ACMG Guidelines, 2015. Collection method: clinical testing. Allele origin: germline.
Comment: This missense variant replaces phenylalanine with isoleucine at codon 424 of the PKP2 protein. Computational prediction tool suggests that this variant may not impact protein structure and function (internally defined REVEL score threshold <=0.5, PMID: 27666373). Splice site prediction tools suggest that this variant may not impact RNA splicing. To our knowledge, functional studies have not been performed for this variant. This variant has not been reported in individuals affected with cardiovascular disorders in the literature. This variant has not been identified in the general population by the Genome Aggregation Database (gnomAD). The available evidence is insufficient to determine the role of this variant in disease conclusively. Therefore, this variant is classified as a Variant of Uncertain Significance.